The following is an entry in ClinVar:

ClinVar aggregate classification (germline): Uncertain significance (1 of 4 stars; one submission).

Allele frequency attached by ClinVar (database versions not stated): ExAC 0.00004; TOPMed 0.00015.
gnomAD v4.1: 46 of 1,613,982 alleles (0.0029%); highest among the groups gnomAD compares: African/African-American, 0.027%; 1 homozygote.

Submission:

Labcorp Genetics (formerly Invitae), Labcorp
Classification: Uncertain significance. Last evaluated: 2024-10-02. Review status: criteria provided, single submitter. Criteria: Invitae Variant Classification Sherloc (09022015). Collection method: clinical testing. Allele origin: germline.
Comment: This sequence change replaces arginine, which is basic and polar, with glutamine, which is neutral and polar, at codon 1076 of the ERBIN protein (p.Arg1076Gln). This variant is present in population databases (rs774967294, gnomAD 0.03%). This missense change has been observed in individual(s) with autism spectrum disorder (PMID: 28191889). ClinVar contains an entry for this variant (Variation ID: 2172225). An algorithm developed to predict the effect of missense changes on protein structure and function (PolyPhen-2) suggests that this variant is likely to be disruptive. In summary, the available evidence is currently insufficient to determine the role of this variant in disease. Therefore, it has been classified as a Variant of Uncertain Significance.

Literature cited by the submitters: PubMed 28191889.

NM_001253697.2(ERBIN):c.3227G>A (p.Arg1076Gln)

Gene: ERBIN (erbb2 interacting protein; plus strand). Cytogenetic location: 5q12.3.
Variant type: single nucleotide variant.
Coding change: c.3227G>A on transcript NM_001253697.2 (MANE Select); coding-DNA position 3227, G replaced by A.
Protein change: p.Arg1076Gln; replaces arginine 1076 with glutamine.
Molecular consequence: missense variant.
Genome position (GRCh38, 1-based): chr5:66,054,545, G>A. VCF-style: chr5-66054545-G-A. GRCh37 (hg19) VCF-style: chr5-65350373-G-A.
Other names: c.3227G>A, p.Arg1076Gln (NM_001006600.3, NM_001253698.2, NM_001253699.2 and 1 more transcripts); c.3215G>A, p.Arg1072Gln (NM_001253701.2); short protein forms R1072Q, R1076Q.
Identifiers: ClinVar variation 2172225 (VCV002172225.4), dbSNP rs774967294, ClinGen allele CA3286613.
Genomic context (GRCh38, chr5:66,054,545, plus strand): 5'-TGTGGGCCATCTCACCAAACGACCGACTTATTCCTGCAGTAACTCGAAGTACAATCCAGC[G>A]ACAAAGTAGTGTGTCCTCCACAGCCTCTGTAAATCTTGGTGATCCAGGCTCTACAAGGCG-3'
Protein context (NP_001240626.1, residues 1066-1086): IPAVTRSTIQ[Arg1076Gln]QSSVSSTASV